The following is an entry in ClinVar:

ClinVar aggregate classification (germline): Uncertain significance. Review status: criteria provided, multiple submitters, no conflicts (2 of 4 stars). 2 submissions from 2 submitters: Uncertain significance (2). Last evaluated 2025-07-21.

Conditions:
Hereditary cancer-predisposing syndrome. Also called: Hereditary neoplastic syndrome; Neoplastic Syndromes, Hereditary; Tumor predisposition; Hereditary Cancer Syndrome. Identifiers: Orphanet 140162, MedGen C0027672, MeSH D009386, MONDO:0015356.
Tuberous sclerosis 2 (TSC2). Identifiers: Orphanet 805, MedGen C1860707, MONDO:0013199, OMIM 613254.

Submissions (2):

Labcorp Genetics (formerly Invitae), Labcorp
Classification: Uncertain significance for Tuberous sclerosis 2. Last evaluated: 2025-07-21. Review status: criteria provided, single submitter. Criteria: Invitae Variant Classification Sherloc (09022015). Collection method: clinical testing. Allele origin: germline.
Comment: This sequence change replaces aspartic acid, which is acidic and polar, with glycine, which is neutral and non-polar, at codon 635 of the TSC2 protein (p.Asp635Gly). This variant is not present in population databases (gnomAD no frequency). This variant has not been reported in the literature in individuals affected with TSC2-related conditions. ClinVar contains an entry for this variant (Variation ID: 1007427). Invitae Evidence Modeling of protein sequence and biophysical properties (such as structural, functional, and spatial information, amino acid conservation, physicochemical variation, residue mobility, and thermodynamic stability) indicates that this missense variant is not expected to disrupt TSC2 protein function with a negative predictive value of 95%. In summary, the available evidence is currently insufficient to determine the role of this variant in disease. Therefore, it has been classified as a Variant of Uncertain Significance.

Ambry Genetics
Classification: Uncertain significance for Hereditary cancer-predisposing syndrome. Last evaluated: 2025-06-28. Review status: criteria provided, single submitter. Criteria: Ambry Variant Classification Scheme 2023. Collection method: clinical testing. Allele origin: germline.
Comment: The p.D635G variant (also known as c.1904A>G), located in coding exon 17 of the TSC2 gene, results from an A to G substitution at nucleotide position 1904. The aspartic acid at codon 635 is replaced by glycine, an amino acid with similar properties. This amino acid position is conserved. In addition, this alteration is predicted to be deleterious by in silico analysis. Based on the available evidence, the clinical significance of this variant remains unclear.

NM_000548.5(TSC2):c.1904A>G (p.Asp635Gly)

Gene: TSC2 (TSC complex subunit 2; plus strand). Cytogenetic location: 16p13.3.
Variant type: single nucleotide variant.
Coding change: c.1904A>G on transcript NM_000548.5 (MANE Select); coding-DNA position 1904, A replaced by G.
Protein change: p.Asp635Gly; replaces aspartic acid 635 with glycine.
Molecular consequence: missense variant.
Genome position (GRCh38, 1-based): chr16:2,071,574, A>G. VCF-style: chr16-2071574-A-G. GRCh37 (hg19) VCF-style: chr16-2121575-A-G.
Other names: c.1904A>G (NM_000548.3); c.1904A>G, p.Asp635Gly (NM_001077183.3, NM_001114382.3, NM_001363528.2 and 3 more transcripts); c.1793A>G, p.Asp598Gly (NM_001318827.2); c.1757A>G, p.Asp586Gly (NM_001318829.2); c.1304A>G, p.Asp435Gly (NM_001318831.2); c.1937A>G, p.Asp646Gly (NM_001318832.2); short protein forms D435G, D586G, D598G, D635G, D646G.
Identifiers: ClinVar variation 1007427 (VCV001007427.9), dbSNP rs2088399323, ClinGen allele CA394273169.